The following is an entry in ClinVar:

ClinVar aggregate classification (germline): Likely benign (0 of 4 stars; one submission).

Conditions:
DNMT3A-related disorder. Also called: DNMT3A-related disorders; DNMT3A-related condition.

Submission:

PreventionGenetics, part of Exact Sciences
Classification: Likely benign for DNMT3A-related condition. Last evaluated: 2022-10-28. Review status: no assertion criteria provided. Collection method: clinical testing. Allele origin: germline.
Comment: This variant is classified as likely benign based on ACMG/AMP sequence variant interpretation guidelines (Richards et al. 2015 PMID: 25741868, with internal and published modifications).

NM_022552.5(DNMT3A):c.640-3774G>A

Gene: DNMT3A (DNA methyltransferase 3 alpha; minus strand). Cytogenetic location: 2p23.3.
Variant type: single nucleotide variant.
Coding change: c.640-3774G>A on transcript NM_022552.5 (MANE Select); 3774 bases into the intron before coding-DNA position 640, G replaced by A.
Molecular consequence: intron variant. On other transcripts: synonymous variant (1).
Genome position (GRCh38, 1-based): chr2:25,252,026, C>T on the plus strand (G>A on the coding strand, the complement: DNMT3A is on the minus strand). VCF-style: chr2-25252026-C-T. GRCh37 (hg19) VCF-style: chr2-25474895-C-T.
Other names: c.69G>A, p.Val23= (NM_001320893.1); c.640-3774G>A (NM_175629.2); c.4+168G>A (NM_153759.3); c.-31+168G>A (NM_001375819.1).
Identifiers: ClinVar variation 3353464 (VCV003353464.1).
Genomic context (GRCh38, chr2:25,252,026, plus strand): 5'-CCACTGGAGCCCTCGAGGAGTGGGGCCTTGGGGCTCGTGGGCAGGAAGGCGGCGGGCCAG[C>T]ACTAAGTCAGCATCTCCAGAACTCGGGCCAGGCCGGGACGCCGCGGCTGCTGCGGGCCGG-3'